The following is an entry in ClinVar:

NM_000093.5(COL5A1):c.62C>T (p.Pro21Leu)

Gene: COL5A1 (collagen type V alpha 1 chain; plus strand). Cytogenetic location: 9q34.3.
Variant type: single nucleotide variant.
Coding change: c.62C>T on transcript NM_000093.5 (MANE Select); coding-DNA position 62, C replaced by T.
Protein change: p.Pro21Leu; replaces proline 21 with leucine.
Molecular consequence: missense variant.
Genome position (GRCh38, 1-based): chr9:134,642,249, C>T. VCF-style: chr9-134642249-C-T. GRCh37 (hg19) VCF-style: chr9-137534095-C-T.
Other names: c.62C>T, p.Pro21Leu (NM_001278074.1); short protein forms P21L.
Identifiers: ClinVar variation 1163513 (VCV001163513.8), dbSNP rs2132454969, ClinGen allele CA375443914.

ClinVar aggregate classification (germline): Uncertain significance. Review status: criteria provided, multiple submitters, no conflicts (2 of 4 stars). 2 submissions from 2 submitters: Uncertain significance (2). Last evaluated 2022-06-29.

Allele frequency attached by ClinVar (database versions not stated): gnomAD exomes below 0.00001.
gnomAD v4.1: 1 of 1,281,342 alleles (0.000078%); highest among the groups gnomAD compares: Non-Finnish European, 0.000099%; no homozygotes.

Submissions (2):

GeneDx
Classification: Uncertain significance. Last evaluated: 2022-06-29. Review status: criteria provided, single submitter. Criteria: GeneDx Variant Classification Process June 2021. Collection method: clinical testing. Allele origin: germline. Affected: yes.
Comment: Has not been previously published as pathogenic or benign to our knowledge; Not observed in large population cohorts (gnomAD); In silico analysis supports that this missense variant does not alter protein structure/function; Not located in the triple helical region, where the majority of pathogenic missense variants occur (Symoens et al., 2012; HGMD)

Mayo Clinic Laboratories, Mayo Clinic
Classification: Uncertain significance. Last evaluated: 2020-01-07. Review status: criteria provided, single submitter. Criteria: ACMG Guidelines, 2015. Collection method: clinical testing. Allele origin: germline. Observed: 1 variant allele.